The following is an entry in ClinVar:

ClinVar aggregate classification (germline): Uncertain significance (1 of 4 stars; one submission).

Submission:

Labcorp Genetics (formerly Invitae), Labcorp
Classification: Uncertain significance. Last evaluated: 2024-06-26. Review status: criteria provided, single submitter. Criteria: Invitae Variant Classification Sherloc (09022015). Collection method: clinical testing. Allele origin: germline.
Comment: This sequence change replaces serine, which is neutral and polar, with cysteine, which is neutral and slightly polar, at codon 156 of the FUK protein (p.Ser156Cys). This variant is not present in population databases (gnomAD no frequency). This variant has not been reported in the literature in individuals affected with FUK-related conditions. An algorithm developed to predict the effect of missense changes on protein structure and function (PolyPhen-2) suggests that this variant is likely to be disruptive. In summary, the available evidence is currently insufficient to determine the role of this variant in disease. Therefore, it has been classified as a Variant of Uncertain Significance.

NM_145059.3(FCSK):c.467C>G (p.Ser156Cys)

Gene: FCSK (fucose kinase; plus strand). Cytogenetic location: 16q22.1.
Variant type: single nucleotide variant.
Coding change: c.467C>G on transcript NM_145059.3 (MANE Select); coding-DNA position 467, C replaced by G.
Protein change: p.Ser156Cys; replaces serine 156 with cysteine.
Molecular consequence: missense variant.
Genome position (GRCh38, 1-based): chr16:70,466,937, C>G. VCF-style: chr16-70466937-C-G. GRCh37 (hg19) VCF-style: chr16-70500840-C-G.
Other names: short protein forms S156C.
Identifiers: ClinVar variation 3614452 (VCV003614452.2).